The following is an entry in ClinVar:

ClinVar aggregate classification (germline): Uncertain significance (1 of 4 stars; one submission).

Submission:

GeneDx
Classification: Uncertain significance. Last evaluated: 2025-07-18. Review status: criteria provided, single submitter. Criteria: GeneDx Variant Classification Process June 2021. Collection method: clinical testing. Allele origin: germline. Affected: yes.
Comment: Not observed at significant frequency in large population cohorts (gnomAD); In silico analysis supports that this missense variant has a deleterious effect on protein structure/function; Has not been previously published as pathogenic or benign to our knowledge

NM_006516.4(SLC2A1):c.811C>T (p.Pro271Ser)

Gene: SLC2A1 (solute carrier family 2 member 1; minus strand). Cytogenetic location: 1p34.2.
Variant type: single nucleotide variant.
Coding change: c.811C>T on transcript NM_006516.4 (MANE Select); coding-DNA position 811, C replaced by T.
Protein change: p.Pro271Ser; replaces proline 271 with serine.
Molecular consequence: missense variant.
Genome position (GRCh38, 1-based): chr1:42,929,649, G>A on the plus strand (C>T on the coding strand, the complement: SLC2A1 is on the minus strand). VCF-style: chr1-42929649-G-A. GRCh37 (hg19) VCF-style: chr1-43395320-G-A.
Other names: short protein forms P271S.
Identifiers: ClinVar variation 4686091 (VCV004686091.1).